The following is an entry in ClinVar:

ClinVar aggregate classification (germline): Uncertain significance. Review status: criteria provided, multiple submitters, no conflicts (2 of 4 stars). 2 submissions from 2 submitters: Uncertain significance (2). Last evaluated 2023-12-12.

Conditions:
Inborn genetic diseases. Identifiers: MedGen C0950123, MeSH D030342.

Allele frequency attached by ClinVar (database versions not stated): ExAC 0.00001; gnomAD exomes 0.00001 and 0.00002; TOPMed 0.00002; gnomAD 0.00003 and 0.00004; ESP Exome Variant Server 0.00008.
gnomAD v4.1: 37 of 1,612,472 alleles (0.0023%); highest among the groups gnomAD compares: Non-Finnish European, 0.003%; no homozygotes.

Submissions (2):

Ambry Genetics
Classification: Uncertain significance for Inborn genetic diseases. Last evaluated: 2023-12-12. Review status: criteria provided, single submitter. Criteria: Ambry Variant Classification Scheme 2023. Collection method: clinical testing. Allele origin: germline.

Labcorp Genetics (formerly Invitae), Labcorp
Classification: Uncertain significance. Last evaluated: 2021-09-24. Review status: criteria provided, single submitter. Criteria: Invitae Variant Classification Sherloc (09022015). Collection method: clinical testing. Allele origin: germline.
Comment: This sequence change replaces leucine with valine at codon 331 of the TBCD protein (p.Leu331Val). The leucine residue is weakly conserved and there is a small physicochemical difference between leucine and valine. This variant is present in population databases (rs369989197, ExAC 0.002%). This variant has not been reported in the literature in individuals with TBCD-related conditions. Algorithms developed to predict the effect of missense changes on protein structure and function (SIFT, PolyPhen-2, Align-GVGD) all suggest that this variant is likely to be tolerated, but these predictions have not been confirmed by published functional studies and their clinical significance is uncertain. In summary, the available evidence is currently insufficient to determine the role of this variant in disease. Therefore, it has been classified as a Variant of Uncertain Significance.

NM_005993.5(TBCD):c.991C>G (p.Leu331Val)

Gene: TBCD (tubulin folding cofactor D). Cytogenetic location: 17q25.3.
Variant type: single nucleotide variant.
Coding change: c.991C>G on transcript NM_005993.5 (MANE Select); coding-DNA position 991, C replaced by G.
Protein change: p.Leu331Val; replaces leucine 331 with valine.
Molecular consequence: missense variant.
Genome position (GRCh38, 1-based): chr17:82,805,915, C>G. VCF-style: chr17-82805915-C-G. GRCh37 (hg19) VCF-style: chr17-80763791-C-G.
Other names: c.991C>G (NM_005993.4); short protein forms L331V.
Identifiers: ClinVar variation 1430081 (VCV001430081.6), dbSNP rs369989197, ClinGen allele CA8861838.